The following is an entry in ClinVar:

ClinVar aggregate classification (germline): Pathogenic (1 of 4 stars; one submission).

Submission:

GeneDx
Classification: Pathogenic. Last evaluated: 2015-08-06. Review status: criteria provided, single submitter. Criteria: GeneDx Variant Classification (06012015). Collection method: clinical testing. Allele origin: germline. Affected: yes.
Comment: The Y286X nonsense variant in the CDKL5 gene is predicted to cause loss of normal protein function eitherthrough protein truncation or nonsense-mediated mRNA decay. It was not observed in approximately 6,500individuals of European and African American ancestry in the NHLBI Exome Sequencing Project, indicating itis not a common benign variant in these populations. Although this variant has not been reported previouslyto our knowledge, we consider it to be pathogenic.

NM_001323289.2(CDKL5):c.858C>A (p.Tyr286Ter)

Gene: CDKL5 (cyclin dependent kinase like 5; plus strand). Cytogenetic location: Xp22.13.
Variant type: single nucleotide variant.
Coding change: c.858C>A on transcript NM_001323289.2 (MANE Select); coding-DNA position 858, C replaced by A.
Protein change: p.Tyr286Ter; replaces tyrosine 286 with a stop codon.
Molecular consequence: nonsense.
Genome position (GRCh38, 1-based): chrX:18,598,494, C>A. VCF-style: chrX-18598494-C-A. GRCh37 (hg19) VCF-style: chrX-18616614-C-A.
Other names: c.858C>A, p.Tyr286Ter (NM_001037343.2, NM_003159.3); short protein forms Y286*.
Identifiers: ClinVar variation 419625 (VCV000419625.2), dbSNP rs766511365, ClinGen allele CA16621273.